The following is an entry in ClinVar:

ClinVar aggregate classification (germline): Uncertain significance. Review status: criteria provided, multiple submitters, no conflicts (2 of 4 stars). 2 submissions from 2 submitters: Uncertain significance (2). Last evaluated 2024-09-17.

Conditions:
Familial hemiplegic migraine. Identifiers: MedGen C0338484, MONDO:0000700.

Submissions (2):

Labcorp Genetics (formerly Invitae), Labcorp
Classification: Uncertain significance for Familial hemiplegic migraine. Last evaluated: 2024-09-17. Review status: criteria provided, single submitter. Criteria: Invitae Variant Classification Sherloc (09022015). Collection method: clinical testing. Allele origin: germline.
Comment: This sequence change replaces isoleucine, which is neutral and non-polar, with valine, which is neutral and non-polar, at codon 478 of the ATP1A2 protein (p.Ile478Val). This variant is not present in population databases (gnomAD no frequency). This variant has not been reported in the literature in individuals affected with ATP1A2-related conditions. ClinVar contains an entry for this variant (Variation ID: 546337). Invitae Evidence Modeling of protein sequence and biophysical properties (such as structural, functional, and spatial information, amino acid conservation, physicochemical variation, residue mobility, and thermodynamic stability) indicates that this missense variant is not expected to disrupt ATP1A2 protein function with a negative predictive value of 80%. In summary, the available evidence is currently insufficient to determine the role of this variant in disease. Therefore, it has been classified as a Variant of Uncertain Significance.

GeneDx
Classification: Uncertain significance. Last evaluated: 2023-02-20. Review status: criteria provided, single submitter. Criteria: GeneDx Variant Classification Process June 2021. Collection method: clinical testing. Allele origin: germline. Affected: yes.
Comment: Not observed at significant frequency in large population cohorts (gnomAD); In silico analysis supports that this missense variant does not alter protein structure/function; Has not been previously published as pathogenic or benign to our knowledge; This variant is associated with the following publications: (PMID: 18184292)

NM_000702.4(ATP1A2):c.1432A>G (p.Ile478Val)

Gene: ATP1A2 (ATPase Na+/K+ transporting subunit alpha 2; plus strand). Cytogenetic location: 1q23.2.
Variant type: single nucleotide variant.
Coding change: c.1432A>G on transcript NM_000702.4 (MANE Select); coding-DNA position 1432, A replaced by G.
Protein change: p.Ile478Val; replaces isoleucine 478 with valine.
Molecular consequence: missense variant.
Genome position (GRCh38, 1-based): chr1:160,129,371, A>G. VCF-style: chr1-160129371-A-G. GRCh37 (hg19) VCF-style: chr1-160099161-A-G.
Other names: short protein forms I478V.
Identifiers: ClinVar variation 546337 (VCV000546337.11), dbSNP rs1553245013, ClinGen allele CA343242301.